The following is an entry in ClinVar:

NM_201596.3(CACNB2):c.1955G>A (p.Trp652Ter)

Gene: CACNB2 (calcium voltage-gated channel auxiliary subunit beta 2; plus strand). Cytogenetic location: 10p12.31.
Variant type: single nucleotide variant.
Coding change: c.1955G>A on transcript NM_201596.3 (MANE Select); coding-DNA position 1955, G replaced by A.
Protein change: p.Trp652Ter; replaces tryptophan 652 with a stop codon.
Molecular consequence: nonsense.
Genome position (GRCh38, 1-based): chr10:18,539,696, G>A. VCF-style: chr10-18539696-G-A. GRCh37 (hg19) VCF-style: chr10-18828625-G-A.
Other names: c.1790G>A, p.Trp597Ter (NM_000724.4); c.1757G>A, p.Trp586Ter (NM_001167945.2); c.1676G>A, p.Trp559Ter (NM_001330060.2); c.1697G>A, p.Trp566Ter (NM_001410882.1); c.1811G>A, p.Trp604Ter (NM_201570.3); c.1871G>A, p.Trp624Ter (NM_201571.4); c.1799G>A, p.Trp600Ter (NM_201572.4); c.1793G>A, p.Trp598Ter (NM_201590.3); and 2 more; short protein forms W604*, W624*, W566*, W586*, W598*, W600*, W628*, W559*.
Identifiers: ClinVar variation 4218011 (VCV004218011.1).

ClinVar aggregate classification (germline): Uncertain significance (1 of 4 stars; one submission).

Conditions:
Cardiovascular phenotype. Identifiers: MedGen CN230736.

Submission:

Ambry Genetics
Classification: Uncertain significance for Cardiovascular phenotype. Last evaluated: 2025-08-07. Review status: criteria provided, single submitter. Criteria: Ambry Variant Classification Scheme 2023. Collection method: clinical testing. Allele origin: germline.
Comment: The p.W598* variant (also known as c.1793G>A), located in coding exon 13 of the CACNB2 gene, results from a G to A substitution at nucleotide position 1793. This changes the amino acid from a tryptophan to a stop codon within coding exon 13. The evidence for this gene-disease relationship is limited; therefore, the clinical significance of this alteration is unclear.